The following is an entry in ClinVar:

NM_004329.3(BMPR1A):c.1193del (p.Pro397_Leu398insTer)

Gene: BMPR1A (bone morphogenetic protein receptor type 1A; plus strand). Cytogenetic location: 10q23.2.
Variant type: Deletion.
Coding change: c.1193del on transcript NM_004329.3 (MANE Select); coding-DNA position 1193, one base deleted (T; older notation c.1193delT).
Protein change: p.Pro397_Leu398insTer.
Molecular consequence: nonsense. On other transcripts: non-coding transcript variant (3).
Genome position (GRCh38, 1-based): chr10:86,921,546, T deleted; the last of 2 consecutive T bases (chr10:86,921,545-86,921,546); deleting either gives the same sequence. VCF-style (leftmost placement, unchanged base first): chr10-86921544-CT-C. GRCh37 (hg19) VCF-style: chr10-88681301-CT-C.
Other names: c.1268del, p.Pro422_Leu423insTer (NM_001406559.1); c.1241del, p.Pro413_Leu414insTer (NM_001406560.1); c.1193del, p.Pro397_Leu398insTer (NM_001406561.1, NM_001406562.1, NM_001406563.1 and 19 more transcripts); c.1187del, p.Pro395_Leu396insTer (NM_001406583.1); c.1109del, p.Pro369_Leu370insTer (NM_001406584.1, NM_001406585.1, NM_001406586.1 and 2 more transcripts); c.851del, p.Pro283_Leu284insTer (NM_001406589.1).
Identifiers: ClinVar variation 4842485 (VCV004842485.1).

ClinVar aggregate classification (germline): Pathogenic (1 of 4 stars; one submission).

Conditions:
Hereditary cancer-predisposing syndrome. Also called: Neoplastic Syndromes, Hereditary; Tumor predisposition; Hereditary Cancer Syndrome; Hereditary neoplastic syndrome. Identifiers: Orphanet 140162, MedGen C0027672, MeSH D009386, MONDO:0015356.

Submission:

Ambry Genetics
Classification: Pathogenic for Hereditary cancer-predisposing syndrome. Last evaluated: 2026-01-07. Review status: criteria provided, single submitter. Criteria: Ambry Variant Classification Scheme 2023. Collection method: clinical testing. Allele origin: germline.
Comment: The c.1193delT variant, located in coding exon 9 of the BMPR1A gene, results from a deletion of one nucleotide at nucleotide position 1193, causing a translational frameshift with a predicted alternate stop codon (p.L398*). This alteration is expected to result in loss of function by premature protein truncation or nonsense-mediated mRNA decay. As such, this alteration is interpreted as a disease-causing mutation.